The following is an entry in ClinVar:

NM_005604.4(POU3F2):c.396A>G (p.Gln132=)

Genes: POU3F2 (POU class 3 homeobox 2; plus strand), LOC129996863 (ATAC-STARR-seq lymphoblastoid active region 24850; plus strand). Cytogenetic location: 6q16.1.
Variant type: single nucleotide variant.
Coding change: c.396A>G on transcript NM_005604.4 (MANE Select); coding-DNA position 396, A replaced by G.
Protein change: p.Gln132=; no amino-acid change (glutamine 132 retained).
Molecular consequence: synonymous variant.
Genome position (GRCh38, 1-based): chr6:98,835,269, A>G. VCF-style: chr6-98835269-A-G. GRCh37 (hg19) VCF-style: chr6-99283145-A-G.
Identifiers: ClinVar variation 3239026 (VCV003239026.19), dbSNP rs546800926.
Genomic context (GRCh38, chr6:98,835,269, plus strand): 5'-CGGCCGCGGAGACGAGCTGCACGGGCCAGGCGCCCTGCAGCAGCAGCATCAGCAGCAGCA[A>G]CAGCAACAGCAGCAGCAACAGCAGCAACAGCAGCAGCAGCAGCAGCAACAGCGGCCGCCG-3'
Protein context (NP_005595.2, residues 122-142): GALQQQHQQQ[Gln132=]QQQQQQQQQQ

ClinVar aggregate classification (germline): Likely benign (1 of 4 stars; one submission).

Allele frequency attached by ClinVar (database versions not stated): 1000 Genomes Project 0.00020.
gnomAD v4.1: 1 of 1,544,530 alleles (0.000065%); no homozygotes.

Submission:

CeGaT Center for Human Genetics Tuebingen
Classification: Likely benign. Last evaluated: 2024-05-01. Review status: criteria provided, single submitter. Criteria: CeGaT Center For Human Genetics Tuebingen Variant Classification Criteria Version 2. Collection method: clinical testing. Allele origin: germline. Affected: yes. Observed: 1 variant allele.
Comment: POU3F2: PM2:Supporting, BP4, BP7